The following is an entry in ClinVar:

ClinVar aggregate classification (germline): Conflicting classifications of pathogenicity. Review status: criteria provided, conflicting classifications (1 of 4 stars). 3 submissions from 3 submitters: Pathogenic (1); Likely pathogenic (1); Uncertain significance (1). Last evaluated 2024-06-08.

Conditions:
Dilated cardiomyopathy 1DD (CMD1DD). Identifiers: Orphanet 154, MedGen C2750995, MONDO:0013168, OMIM 613172.

Submissions (3):

GeneDx
Classification: Uncertain significance. Last evaluated: 2024-06-08. Review status: criteria provided, single submitter. Criteria: GeneDx Variant Classification Process June 2021. Collection method: clinical testing. Allele origin: germline. Affected: yes.
Comment: Not observed at significant frequency in large population cohorts (gnomAD); In silico analysis indicates that this missense variant does not alter protein structure/function; This variant is associated with the following publications: (PMID: 31583969)

Baylor Genetics
Classification: Likely pathogenic for Dilated cardiomyopathy 1DD. Last evaluated: 2020-08-19. Review status: criteria provided, single submitter. Criteria: ACMG Guidelines, 2015. Collection method: clinical testing. Allele origin: unknown. Affected: yes.
Comment: This variant was determined to be likely pathogenic according to ACMG Guidelines, 2015 [PMID:25741868].

Center for Human Genetics, University of Leuven
Classification: Pathogenic for Dilated cardiomyopathy 1DD. Last evaluated: 2018-08-27. Review status: criteria provided, single submitter. Criteria: ACMG Guidelines, 2015. Collection method: clinical testing. Allele origin: germline. Inheritance: Autosomal dominant inheritance. Affected: yes. Observed: 6 variant alleles, 6 heterozygotes. Clinical features observed: Primary dilated cardiomyopathy (HP:0001644).
Comment: The Met950Lys variant was identified in a family with 6 affected patients with arrhythmogenic dilated cardiomyopathy with complete co-segregation. The variant is absent in the large population databases including GNOMAD.

NM_001134363.3(RBM20):c.2714T>A (p.Met905Lys)

Gene: RBM20 (RNA binding motif protein 20; plus strand). Cytogenetic location: 10q25.2.
Variant type: single nucleotide variant.
Coding change: c.2714T>A on transcript NM_001134363.3 (MANE Select); coding-DNA position 2714, T replaced by A.
Protein change: p.Met905Lys; replaces methionine 905 with lysine.
Molecular consequence: missense variant.
Genome position (GRCh38, 1-based): chr10:110,821,333, T>A. VCF-style: chr10-110821333-T-A. GRCh37 (hg19) VCF-style: chr10-112581091-T-A.
Other names: short protein forms M905K.
Identifiers: ClinVar variation 560165 (VCV000560165.5), dbSNP rs1564664312, ClinGen allele CA378377249.